The following is an entry in ClinVar:

NM_004463.3(FGD1):c.1451G>A (p.Trp484Ter)

Gene: FGD1 (FYVE, RhoGEF and PH domain containing 1; minus strand). Cytogenetic location: Xp11.22.
Variant type: single nucleotide variant.
Coding change: c.1451G>A on transcript NM_004463.3 (MANE Select); coding-DNA position 1451, G replaced by A.
Protein change: p.Trp484Ter; replaces tryptophan 484 with a stop codon.
Molecular consequence: nonsense.
Genome position (GRCh38, 1-based): chrX:54,465,742, C>T on the plus strand (G>A on the coding strand, the complement: FGD1 is on the minus strand). VCF-style: chrX-54465742-C-T. GRCh37 (hg19) VCF-style: chrX-54492175-C-T.
Other names: short protein forms W484*.
Identifiers: ClinVar variation 4854839 (VCV004854839.1).
Genomic context (GRCh38, chrX:54,465,742, plus strand): 5'-GCTTGACCACTTACCTGCACCTCATGGATGATGACTTTAAACTGGGTGGAGCGCTCTGTC[C>T]AGGTGTTGACCAGCTCCACGGCCCGGTCAAAGTTCTTCACATACTCACCATACATCTTGA-3'

ClinVar aggregate classification (germline): Likely pathogenic (1 of 4 stars; one submission).

Conditions:
Aarskog syndrome (AAS). Also called: FGD1-Related Faciogenital Dysplasia (Aarskog-Scott Syndrome); FGDY; Aarskog Scott syndrome; Aarskog disease; Aarskog-Scott syndrome, X-linked. Identifiers: Orphanet 915, MedGen C0175701, MONDO:0010589, OMIM 305400.

Submission:

3billion
Classification: Likely pathogenic for Aarskog syndrome. Last evaluated: 2025-10-01. Review status: criteria provided, single submitter. Criteria: ACMG Guidelines, 2015. Collection method: clinical testing. Allele origin: germline. Affected: yes.
Comment: The variant is not observed in the gnomAD v4.1.0 dataset. Predicted Consequence/Location: Stop-gained (nonsense): predicted to result in a loss or disruption of normal protein function through nonsense-mediated decay (NMD) or protein truncation. Multiple pathogenic variants are reported downstream of the variant. Therefore, this variant is classified as Likely pathogenic according to the recommendation of ACMG/AMP guideline.